The following is an entry in ClinVar:

NM_024757.5(EHMT1):c.2607+1G>A

Gene: EHMT1 (euchromatic histone lysine methyltransferase 1; plus strand). Cytogenetic location: 9q34.3.
Variant type: single nucleotide variant.
Coding change: c.2607+1G>A on transcript NM_024757.5 (MANE Select); the canonical splice donor site of the intron after coding-DNA position 2607, G replaced by A.
Molecular consequence: splice donor variant.
Genome position (GRCh38, 1-based): chr9:137,798,915, G>A. VCF-style: chr9-137798915-G-A. GRCh37 (hg19) VCF-style: chr9-140693367-G-A.
Other names: c.2586+1G>A (NM_001354263.2).
Identifiers: ClinVar variation 3901988 (VCV003901988.1).

ClinVar aggregate classification (germline): Uncertain significance (1 of 4 stars; one submission).

Conditions:
Kleefstra syndrome 1 (KLEFS1). Identifiers: Orphanet 261494, MedGen C0795833, MONDO:0027407, OMIM 610253.

Submission:

Laboratorio de Genetica e Diagnostico Molecular, Hospital Israelita Albert Einstein
Classification: Uncertain significance for Kleefstra syndrome 1. Last evaluated: 2025-05-23. Review status: criteria provided, single submitter. Criteria: ACMG Guidelines, 2015. Collection method: clinical testing. Allele origin: germline. Affected: yes.
Comment: ACMG classification criteria: PVS1 strong, PM2 supporting